The following is an entry in ClinVar:

NM_001099271.2(POC5):c.490G>T (p.Asp164Tyr)

Gene: POC5 (POC5 centriolar protein; minus strand). Cytogenetic location: 5q13.3.
Variant type: single nucleotide variant.
Coding change: c.490G>T on transcript NM_001099271.2 (MANE Select); coding-DNA position 490, G replaced by T.
Protein change: p.Asp164Tyr; replaces aspartic acid 164 with tyrosine.
Molecular consequence: missense variant.
Genome position (GRCh38, 1-based): chr5:75,702,628, C>A on the plus strand (G>T on the coding strand, the complement: POC5 is on the minus strand). VCF-style: chr5-75702628-C-A. GRCh37 (hg19) VCF-style: chr5-74998453-C-A.
Other names: c.415G>T, p.Asp139Tyr (NM_152408.3); short protein forms D139Y, D164Y.
Identifiers: ClinVar variation 4730014 (VCV004730014.1).

ClinVar aggregate classification (germline): Uncertain significance (1 of 4 stars; one submission).

Submission:

Labcorp Genetics (formerly Invitae), Labcorp
Classification: Uncertain significance. Last evaluated: 2025-11-02. Review status: criteria provided, single submitter. Criteria: Invitae Variant Classification Sherloc (09022015). Collection method: clinical testing. Allele origin: germline.
Comment: This sequence change replaces aspartic acid, which is acidic and polar, with tyrosine, which is neutral and polar, at codon 164 of the POC5 protein (p.Asp164Tyr). This variant is not present in population databases (gnomAD no frequency). This variant has not been reported in the literature in individuals affected with POC5-related conditions. An algorithm developed to predict the effect of missense changes on protein structure and function (PolyPhen-2) suggests that this variant is likely to be disruptive. In summary, the available evidence is currently insufficient to determine the role of this variant in disease. Therefore, it has been classified as a Variant of Uncertain Significance.